The following is an entry in ClinVar:

ClinVar aggregate classification (germline): Uncertain significance (1 of 4 stars; one submission).

Submission:

Labcorp Genetics (formerly Invitae), Labcorp
Classification: Uncertain significance. Last evaluated: 2025-07-14. Review status: criteria provided, single submitter. Criteria: Invitae Variant Classification Sherloc (09022015). Collection method: clinical testing. Allele origin: germline.
Comment: This sequence change replaces phenylalanine, which is neutral and non-polar, with leucine, which is neutral and non-polar, at codon 2108 of the MTOR protein (p.Phe2108Leu). This variant is not present in population databases (gnomAD no frequency). This variant has not been reported in the literature in individuals affected with MTOR-related conditions. Invitae Evidence Modeling of protein sequence and biophysical properties (such as structural, functional, and spatial information, amino acid conservation, physicochemical variation, residue mobility, and thermodynamic stability) indicates that this missense variant is not expected to disrupt MTOR protein function with a negative predictive value of 95%. Experimental studies have shown that this missense change affects MTOR function (PMID: 27279227, 28963468). In summary, the available evidence is currently insufficient to determine the role of this variant in disease. Therefore, it has been classified as a Variant of Uncertain Significance.

Literature cited by the submitters: PubMed 27279227; PubMed 28963468.

NM_004958.4(MTOR):c.6324C>G (p.Phe2108Leu)

Gene: MTOR (mechanistic target of rapamycin kinase; minus strand). Cytogenetic location: 1p36.22.
Variant type: single nucleotide variant.
Coding change: c.6324C>G on transcript NM_004958.4 (MANE Select); coding-DNA position 6324, C replaced by G.
Protein change: p.Phe2108Leu; replaces phenylalanine 2108 with leucine.
Molecular consequence: missense variant.
Genome position (GRCh38, 1-based): chr1:11,127,037, G>C on the plus strand (C>G on the coding strand, the complement: MTOR is on the minus strand). VCF-style: chr1-11127037-G-C. GRCh37 (hg19) VCF-style: chr1-11187094-G-C.
Other names: c.6324C>G, p.Phe2108Leu (NM_001386500.1); c.5076C>G, p.Phe1692Leu (NM_001386501.1); short protein forms F1692L, F2108L.
Identifiers: ClinVar variation 4799827 (VCV004799827.1).